The following is an entry in ClinVar:

ClinVar aggregate classification (germline): Uncertain significance. Review status: criteria provided, multiple submitters, no conflicts (2 of 4 stars). 2 submissions from 2 submitters: Uncertain significance (2). Last evaluated 2024-04-22.

Allele frequency attached by ClinVar (database versions not stated): gnomAD exomes below 0.00001.
gnomAD v4.1: 2 of 1,614,164 alleles (0.00012%); highest among the groups gnomAD compares: Admixed American, 0.0033%; no homozygotes.

Submissions (2):

GeneDx
Classification: Uncertain significance. Last evaluated: 2024-04-22. Review status: criteria provided, single submitter. Criteria: GeneDx Variant Classification Process June 2021. Collection method: clinical testing. Allele origin: germline. Affected: yes.
Comment: Not observed at significant frequency in large population cohorts (gnomAD); In silico analysis supports that this missense variant has a deleterious effect on protein structure/function; Has not been previously published as pathogenic or benign to our knowledge

Labcorp Genetics (formerly Invitae), Labcorp
Classification: Uncertain significance. Last evaluated: 2023-12-02. Review status: criteria provided, single submitter. Criteria: Invitae Variant Classification Sherloc (09022015). Collection method: clinical testing. Allele origin: germline.
Comment: This sequence change replaces lysine, which is basic and polar, with glutamic acid, which is acidic and polar, at codon 276 of the PSMC3 protein (p.Lys276Glu). This variant is not present in population databases (gnomAD no frequency). This variant has not been reported in the literature in individuals affected with PSMC3-related conditions. An algorithm developed to predict the effect of missense changes on protein structure and function (PolyPhen-2) suggests that this variant is likely to be disruptive. In summary, the available evidence is currently insufficient to determine the role of this variant in disease. Therefore, it has been classified as a Variant of Uncertain Significance.

NM_002804.5(PSMC3):c.826A>G (p.Lys276Glu)

Gene: PSMC3 (proteasome 26S subunit, ATPase 3; minus strand). Cytogenetic location: 11p11.2.
Variant type: single nucleotide variant.
Coding change: c.826A>G on transcript NM_002804.5 (MANE Select); coding-DNA position 826, A replaced by G.
Protein change: p.Lys276Glu; replaces lysine 276 with glutamic acid.
Molecular consequence: missense variant.
Genome position (GRCh38, 1-based): chr11:47,422,632, T>C on the plus strand (A>G on the coding strand, the complement: PSMC3 is on the minus strand). VCF-style: chr11-47422632-T-C. GRCh37 (hg19) VCF-style: chr11-47444183-T-C.
Other names: c.826A>G (NM_002804.4); short protein forms K276E.
Identifiers: ClinVar variation 3001878 (VCV003001878.4), dbSNP rs2496055635, ClinGen allele CA380319059.